The following is an entry in ClinVar:

NM_003079.5(SMARCE1):c.734TTC[1] (p.Leu246del)

Gene: SMARCE1 (SWI/SNF related BAF chromatin remodeling complex subunit E1; minus strand). Cytogenetic location: 17q21.2.
Variant type: Microsatellite.
Coding change: c.734TTC[1] on transcript NM_003079.5 (MANE Select); one copy of the 3-base unit TTC starting at c.734; the reference has two copies in a row; one copy, 3 bases deleted.
Protein change: p.Leu246del; deletes leucine 246.
Molecular consequence: inframe deletion. On other transcripts: inframe indel (2).
Genome position (GRCh38, 1-based): chr17:40,631,669-40,631,671, GAA deleted on the plus strand (TTC on the coding strand, the reverse complement: SMARCE1 is on the minus strand); deleting any 3 consecutive bases within chr17:40,631,669-40,631,675 gives the same sequence; the position shown is the placement nearest the transcript's 3' end. VCF-style (leftmost placement, unchanged base first): chr17-40631668-TGAA-T. GRCh37 (hg19) VCF-style: chr17-38787920-TGAA-T.
Other names: c.733_735CTT[1], p.Leu246del (NM_003079.4); c.737_739delTTC (NM_003079.4); short protein forms L246del.
Identifiers: ClinVar variation 1758566 (VCV001758566.5), dbSNP rs2508597408, ClinGen allele CA2580613127.

ClinVar aggregate classification (germline): Uncertain significance. Review status: criteria provided, multiple submitters, no conflicts (2 of 4 stars). 2 submissions from 2 submitters: Uncertain significance (2). Last evaluated 2023-04-08.

Conditions:
Hereditary cancer-predisposing syndrome. Also called: Neoplastic Syndromes, Hereditary; Tumor predisposition; Hereditary Cancer Syndrome; Hereditary neoplastic syndrome. Identifiers: Orphanet 140162, MedGen C0027672, MeSH D009386, MONDO:0015356.
Familial meningioma. Also called: Meningioma, familial, susceptibility to. Identifiers: Orphanet 263662, MedGen C3551915, MONDO:0011789, OMIM 607174.

Submissions (2):

Labcorp Genetics (formerly Invitae), Labcorp
Classification: Uncertain significance for Familial meningioma. Last evaluated: 2023-04-08. Review status: criteria provided, single submitter. Criteria: Invitae Variant Classification Sherloc (09022015). Collection method: clinical testing. Allele origin: germline.
Comment: This variant, c.737_739del, results in the deletion of 1 amino acid(s) of the SMARCE1 protein (p.Leu246del), but otherwise preserves the integrity of the reading frame. This variant is not present in population databases (gnomAD no frequency). This variant has not been reported in the literature in individuals affected with SMARCE1-related conditions. ClinVar contains an entry for this variant (Variation ID: 1758566). Experimental studies and prediction algorithms are not available or were not evaluated, and the functional significance of this variant is currently unknown. In summary, the available evidence is currently insufficient to determine the role of this variant in disease. Therefore, it has been classified as a Variant of Uncertain Significance.

Ambry Genetics
Classification: Uncertain significance for Hereditary cancer-predisposing syndrome. Last evaluated: 2021-10-06. Review status: criteria provided, single submitter. Criteria: Ambry Variant Classification Scheme 2023. Collection method: clinical testing. Allele origin: germline.
Comment: The c.737_739delTTC variant (also known as p.L246del) is located in coding exon 8 of the SMARCE1 gene. This variant results from an in-frame TTC deletion at nucleotide positions 737 to 739. This results in the in-frame deletion of a leucine at codon 246. This amino acid position is highly conserved in available vertebrate species. In addition, this alteration is predicted to be deleterious by in silico analysis (Choi Y et al. PLoS ONE. 2012; 7(10):e46688). Missense and in-frame variants in SMARCE1 are known to cause neurodevelopmental disorders; however, such associations with increased risk of meningiomas are exceedingly rare (Kosho T et al. Am J Med Genet C Semin Med Genet. 2014 Sep;166C(3):262-75; Smith JM et al. Nat Genet. 2013 Mar;45(3):295-8). Since supporting evidence is limited at this time, the clinical significance of this alteration remains unclear.